The following is an entry in ClinVar:

ClinVar aggregate classification (germline): Conflicting classifications of pathogenicity. Review status: criteria provided, conflicting classifications (1 of 4 stars). 6 submissions from 6 submitters: Likely pathogenic (1); Uncertain significance (1); Likely benign (2). 2 of the submissions do not count toward it. Last evaluated 2026-01-20.

Conditions:
TBX22-related disorder. Also called: TBX22-related condition.
Abruzzo-Erickson syndrome. Also called: CHARGE like syndrome X-linked. Identifiers: Orphanet 921, MedGen C1844862, MONDO:0010554, OMIM 302905.
Cleft palate with or without ankyloglossia, X-linked. Identifiers: Orphanet 324601, MedGen C1844830, MONDO:0010560, OMIM 303400.

Allele frequency attached by ClinVar (database versions not stated): TOPMed 0.00015; ExAC 0.00016; gnomAD 0.00017 and 0.00020; ESP Exome Variant Server 0.00019; gnomAD exomes 0.00020 and 0.00029.
gnomAD v4.1: 358 of 1,204,932 alleles (0.03%); highest among the groups gnomAD compares: Middle Eastern, 0.5%; no homozygotes.

Submissions (6):

PreventionGenetics, part of Exact Sciences
Classification: Likely benign for TBX22-related condition. Last evaluated: 2026-01-20. Review status: criteria provided, single submitter. Criteria: ACMG Guidelines, 2015. Collection method: clinical testing. Allele origin: germline.
Comment: This variant is classified as likely benign based on ACMG/AMP sequence variant interpretation guidelines (Richards et al. 2015 PMID: 25741868, with internal and published modifications).

CeGaT Center for Human Genetics Tuebingen
Classification: Likely benign. Last evaluated: 2025-09-01. Review status: criteria provided, single submitter. Criteria: CeGaT Center For Human Genetics Tuebingen Variant Classification Criteria Version 2. Collection method: clinical testing. Allele origin: germline. Affected: yes. Observed: 2 variant alleles.
Comment: TBX22: BP4, BS2

Mendelics
Classification: Uncertain significance. Last evaluated: 2022-05-04. Review status: criteria provided, single submitter. Criteria: Mendelics Assertion Criteria 2019. Collection method: clinical testing. Allele origin: germline.

GeneDx
Classification: Likely pathogenic. Last evaluated: 2015-10-22. Review status: criteria provided, single submitter. Criteria: GeneDx Variant Classification (06012015). Collection method: clinical testing. Allele origin: germline. Affected: yes.
Comment: The c.459-5T>A variant in the TBX22 gene has been reported previously in a family with CHARGE-like Abruzzoâ€“Erickson syndrome (Pauws et al., 2013). A functional study showed the c.459-5T>A variant almost abolished the wild type splicing product and led to a significant increase in the most upstream cryptic splice site product of exon 4 (Pauws et al., 2013). The c.459-5T>A variant was not observed at any significant frequency in approximately 6,500 individuals of European and African American ancestry in the NHLBI Exome Sequencing Project, indicating it is not a common benign variant in these populations. The c.459-5T>A variant is a strong candidate for a pathogenic variant however the possibility it may be a rare benign variant cannot be excluded.

Clinical Genetics Laboratory, University Hospital Schleswig-Holstein
Classification: Pathogenic for Cleft palate with or without ankyloglossia, X-linked. Last evaluated: 2021-08-06. Review status: no assertion criteria provided. Collection method: clinical testing. Allele origin: germline. Affected: yes. Not counted in ClinVar's aggregate classification.

OMIM
Classification: Pathogenic for ABRUZZO-ERICKSON SYNDROME (1 family). Last evaluated: 2013-04-01. Review status: no assertion criteria provided. Collection method: literature only. Allele origin: germline. Not counted in ClinVar's aggregate classification.

Literature cited by the submitters: PubMed 839509 (cited by OMIM); PubMed 22784330 (cited by OMIM).

NM_001109878.2(TBX22):c.459-5T>A

Gene: TBX22 (T-box transcription factor 22). Cytogenetic location: Xq21.1.
Variant type: single nucleotide variant.
Coding change: c.459-5T>A on transcript NM_001109878.2 (MANE Select); 5 bases into the intron before coding-DNA position 459, T replaced by A.
Molecular consequence: intron variant.
Genome position (GRCh38, 1-based): chrX:80,025,598, T>A. VCF-style: chrX-80025598-T-A. GRCh37 (hg19) VCF-style: chrX-79281097-T-A.
Other names: IVS3AS, T-A, -5; c.99-5T>A (NM_001109879.2, NM_001303475.1); c.459-5T>A (NM_016954.2).
Identifiers: ClinVar variation 50315 (VCV000050315.14), dbSNP rs200060292, ClinGen allele CA143734.